The following is an entry in ClinVar:

ClinVar aggregate classification (germline): Uncertain significance (1 of 4 stars; one submission).

Conditions:
Rubinstein-Taybi syndrome due to EP300 haploinsufficiency. Also called: EP300-Related Rubinstein-Taybi Syndrome; RUBINSTEIN-TAYBI SYNDROME 2. Identifiers: Orphanet 353284, Orphanet 783, MedGen C3150941, MONDO:0013364, OMIM 613684.

Allele frequency attached by ClinVar (database versions not stated): gnomAD 0.00001.

Submission:

Labcorp Genetics (formerly Invitae), Labcorp
Classification: Uncertain significance for Rubinstein-Taybi syndrome due to EP300 haploinsufficiency. Last evaluated: 2024-04-22. Review status: criteria provided, single submitter. Criteria: Invitae Variant Classification Sherloc (09022015). Collection method: clinical testing. Allele origin: germline.
Comment: This sequence change replaces arginine, which is basic and polar, with leucine, which is neutral and non-polar, at codon 1814 of the EP300 protein (p.Arg1814Leu). This variant is present in population databases (rs765425263, gnomAD 0.003%). This variant has not been reported in the literature in individuals affected with EP300-related conditions. ClinVar contains an entry for this variant (Variation ID: 2050679). Advanced modeling of protein sequence and biophysical properties (such as structural, functional, and spatial information, amino acid conservation, physicochemical variation, residue mobility, and thermodynamic stability) performed at Invitae indicates that this missense variant is not expected to disrupt EP300 protein function with a negative predictive value of 80%. In summary, the available evidence is currently insufficient to determine the role of this variant in disease. Therefore, it has been classified as a Variant of Uncertain Significance.

NM_001429.4(EP300):c.5441G>T (p.Arg1814Leu)

Gene: EP300 (EP300 lysine acetyltransferase; plus strand). Cytogenetic location: 22q13.2.
Variant type: single nucleotide variant.
Coding change: c.5441G>T on transcript NM_001429.4 (MANE Select); coding-DNA position 5441, G replaced by T.
Protein change: p.Arg1814Leu; replaces arginine 1814 with leucine.
Molecular consequence: missense variant.
Genome position (GRCh38, 1-based): chr22:41,177,152, G>T. VCF-style: chr22-41177152-G-T. GRCh37 (hg19) VCF-style: chr22-41573156-G-T.
Other names: c.5363G>T, p.Arg1788Leu (NM_001362843.2); short protein forms R1814L, R1788L.
Identifiers: ClinVar variation 2050679 (VCV002050679.4), dbSNP rs765425263, ClinGen allele CA10253637.